The following is an entry in ClinVar:

NM_033310.3(KCNK4):c.969dup (p.Glu324fs)

Genes: KCNK4-CATSPERZ (KCNK4-CATSPERZ readthrough (NMD candidate); plus strand), KCNK4 (potassium two pore domain channel subfamily K member 4; plus strand). Cytogenetic location: 11q13.1.
Variant type: Duplication.
Coding change: c.969dup on transcript NM_033310.3 (MANE Select); coding-DNA position 969, one base duplicated (C; older notation c.969dupC).
Protein change: p.Glu324fs; shifts the reading frame from glutamic acid 324.
Molecular consequence: frameshift variant. On other transcripts: non-coding transcript variant (3).
Genome position (GRCh38, 1-based): chr11:64,299,513, C duplicated; the last of 6 consecutive C bases (chr11:64,299,508-64,299,513); duplicating any one gives the same sequence. VCF-style (leftmost placement, unchanged base first): chr11-64299507-G-GC. GRCh37 (hg19) VCF-style: chr11-64066979-G-GC.
Other names: c.969dup, p.Glu324fs (NM_001317090.2); c.969dup, p.Glu324Argfs (NM_033311.1); short protein forms E324fs.
Identifiers: ClinVar variation 2098410 (VCV002098410.5), dbSNP rs775736273, ClinGen allele CA6073220.

ClinVar aggregate classification (germline): Uncertain significance. Review status: criteria provided, multiple submitters, no conflicts (2 of 4 stars). 2 submissions from 2 submitters: Uncertain significance (2). Last evaluated 2025-01-17.

Conditions:
Facial dysmorphism, hypertrichosis, epilepsy, intellectual/developmental delay, and gingival overgrowth syndrome. Identifiers: Orphanet 598603, MedGen C5193066, MONDO:0032714, OMIM 618381.

Submissions (2):

Labcorp Genetics (formerly Invitae), Labcorp
Classification: Uncertain significance. Last evaluated: 2025-01-17. Review status: criteria provided, single submitter. Criteria: Invitae Variant Classification Sherloc (09022015). Collection method: clinical testing. Allele origin: germline.
Comment: This sequence change results in a frameshift in the KCNK4 gene (p.Glu324Argfs*104). While this is not anticipated to result in nonsense mediated decay, it is expected to disrupt the last 70 amino acid(s) of the KCNK4 protein and extend the protein by 33 additional amino acid residues. This variant is not present in population databases (gnomAD no frequency). This variant has not been reported in the literature in individuals affected with KCNK4-related conditions. ClinVar contains an entry for this variant (Variation ID: 2098410). Experimental studies and prediction algorithms are not available or were not evaluated, and the functional significance of this variant is currently unknown. In summary, the available evidence is currently insufficient to determine the role of this variant in disease. Therefore, it has been classified as a Variant of Uncertain Significance.

Neuberg Centre For Genomic Medicine, NCGM
Classification: Uncertain significance for Facial dysmorphism, hypertrichosis, epilepsy, intellectual/developmental delay, and gingival overgrowth syndrome. Last evaluated: 2023-06-22. Review status: criteria provided, single submitter. Criteria: ACMG Guidelines, 2015. Collection method: clinical testing. Allele origin: germline. Inheritance: Autosomal dominant inheritance. Affected: yes.
Comment: The frame shift c.969dup (p.Glu324ArgfsTer104) variant in the KCNK4 gene has not been reported previously as a pathogenic variant nor as a benign variant, to our knowledge. This variant is reported with the allele frequency (0.0008%) in the gnomAD Exomes. This variant has been reported to the ClinVar database as Uncertain Significance. However, no details are available for independent assessment. This variant causes a frameshift starting with codon Glutamic Acid 324, changes this amino acid to Arginine residue, and creates a premature Stop codon at position 104 of the new reading frame, denoted p.Glu324ArgfsTer104. Loss of function variants have been previously reported to be disease causing. This variant is present in the last exon; hence further studies will be required to prove protein truncation. For these reasons, this variant has been classified as Uncertain Significance.